The following is an entry in ClinVar:

NM_033305.3(VPS13A):c.8500_8501insACTGTCTC (p.Phe2834fs)

Gene: VPS13A (vacuolar protein sorting 13 homolog A; plus strand). Cytogenetic location: 9q21.2.
Variant type: Insertion.
Coding change: c.8500_8501insACTGTCTC on transcript NM_033305.3 (MANE Select); coding-DNA positions 8500 to 8501, ACTGTCTC inserted.
Protein change: p.Phe2834fs; shifts the reading frame from phenylalanine 2834.
Molecular consequence: frameshift variant.
Genome position: GRCh38 VCF-style: chr9-77368083-T-TACTGTCTC. GRCh37 (hg19) VCF-style: chr9-79982999-T-TACTGTCTC.
Other names: c.8383_8384insACTGTCTC, p.Phe2795fs (NM_001018037.2); c.8500_8501insACTGTCTC, p.Phe2834fs (NM_001018038.3, NM_015186.4); short protein forms F2795fs, F2834fs.
Identifiers: ClinVar variation 5010999 (VCV005010999.1).

ClinVar aggregate classification (germline): Pathogenic (1 of 4 stars; one submission).

Conditions:
VPS13A-related neurodegenerative disease. Also called: ACANTHOCYTOSIS WITH NEUROLOGIC DISORDER; LEVINE-CRITCHLEY SYNDROME; Choreoacanthocytosis; Chorea-acanthocytosis; Choreaacanthocytosis; VPS13A Disease. Identifiers: Orphanet 2388, MedGen C0393576, MONDO:0008695, OMIM 200150.

Submission:

Myriad Genetics, Inc.
Classification: Pathogenic for VPS13A-related neurodegenerative disease. Last evaluated: 2024-05-14. Review status: criteria provided, single submitter. Criteria: Myriad Autosomal Dominant, Autosomal Recessive and X-Linked Classification Criteria (2023). Collection method: clinical testing. Allele origin: unknown.
Comment: NM_033305.2(VPS13A):c.8500_8501ins8(F2834Yfs*15) is expected to be pathogenic in the context of VPS13A disease. This variant is predicted to lead to an abnormal or absent protein product due to the creation of a premature termination codon in VPS13A, a gene where loss-of-function variants are known to be pathogenic. Please note: this variant was assessed in the context of healthy population screening.